The following is an entry in ClinVar:

ClinVar aggregate classification (germline): Uncertain significance (1 of 4 stars; one submission).

Conditions:
Neurodegeneration with brain iron accumulation 5 (NBIA5). Also called: STATIC ENCEPHALOPATHY OF CHILDHOOD WITH NEURODEGENERATION IN ADULTHOOD; Beta-propeller protein-associated neurodegeneration. Identifiers: Orphanet 329284, MedGen C3550973, MONDO:0010476, OMIM 300894.

Submission:

Neuberg Centre For Genomic Medicine, NCGM
Classification: Uncertain significance for Neurodegeneration with brain iron accumulation 5. Last evaluated: 2023-06-02. Review status: criteria provided, single submitter. Criteria: ACMG Guidelines, 2015. Collection method: clinical testing. Allele origin: germline. Inheritance: X-linked dominant inheritance. Affected: yes.
Comment: The observed missense c.136G>C(p.Glu46Gln) variant in WDR45 gene has not been reported previously as a pathogenic variant nor as a benign variant, to our knowledge. This variant is absent in gnomAD Exomes. The amino acid Glu at position 46 is changed to a Gln changing protein sequence and it might alter its composition and physico-chemical properties. The amino acid change p.Glu46Gln in WDR45 is predicted as conserved by GERP++ and PhyloP across 100 vertebrates. Computational evidence (Polyphen - Benign, SIFT - Tolerated, and MutationTaster - Disease causing) predicts conflicting evidence on protein structure and function for this variant. For these reasons, this variant has been classified as Uncertain Significance.

NM_001029896.2(WDR45):c.136G>C (p.Glu46Gln)

Genes: WDR45 (WD repeat domain 45; minus strand), LOC126863256 (BRD4-independent group 4 enhancer GRCh37_chrX:48934848-48936047; plus strand). Cytogenetic location: Xp11.23.
Variant type: single nucleotide variant.
Coding change: c.136G>C on transcript NM_001029896.2 (MANE Select); coding-DNA position 136, G replaced by C.
Protein change: p.Glu46Gln; replaces glutamic acid 46 with glutamine.
Molecular consequence: missense variant.
Genome position (GRCh38, 1-based): chrX:49,077,742, C>G on the plus strand (G>C on the coding strand, the complement: WDR45 is on the minus strand). VCF-style: chrX-49077742-C-G. GRCh37 (hg19) VCF-style: chrX-48935401-C-G.
Other names: c.136G>C, p.Glu46Gln (NM_007075.4); short protein forms E46Q.
Identifiers: ClinVar variation 3362325 (VCV003362325.3).
Genomic context (GRCh38, chrX:49,077,742, plus strand): 5'-CCAAGGCCAGAAGGTTGGAGCGGTGCAGCATCTCCACCAAGCCCATGCTGCCCACCTGCT[C>G]GTGGTCTGGACAGGGACCAGGGTGTCAGTGGAGGTGGGAGCCAACGCCCAGCCCAGCTCT-3'
Protein context (NP_001025067.1, residues 36-56): PLMEKGHLDH[Glu46Gln]QVGSMGLVEM